The following is an entry in ClinVar:

NM_000159.4(GCDH):c.1141A>G (p.Ile381Val)

Gene: GCDH (glutaryl-CoA dehydrogenase; plus strand). Cytogenetic location: 19p13.13.
Variant type: single nucleotide variant.
Coding change: c.1141A>G on transcript NM_000159.4 (MANE Select); coding-DNA position 1141, A replaced by G.
Protein change: p.Ile381Val; replaces isoleucine 381 with valine.
Molecular consequence: missense variant. On other transcripts: non-coding transcript variant (2).
Genome position (GRCh38, 1-based): chr19:12,897,761, A>G. VCF-style: chr19-12897761-A-G. GRCh37 (hg19) VCF-style: chr19-13008575-A-G.
Other names: c.1141A>G, p.Ile381Val (NM_013976.5); short protein forms I381V.
Identifiers: ClinVar variation 2917100 (VCV002917100.3), dbSNP rs2512577412, ClinGen allele CA404321468.

ClinVar aggregate classification (germline): Uncertain significance (1 of 4 stars; one submission).

Conditions:
Glutaric aciduria, type 1. Also called: Glutaryl-CoA dehydrogenase deficiency; Glutaric Acidemia Type 1; GA I; Glutaricaciduria, type I; Glutaric acidemia type I; Glutaricacidemia Type 1. Identifiers: Orphanet 25, MedGen C0268595, MONDO:0009281, OMIM 231670.

Allele frequency attached by ClinVar (database versions not stated): gnomAD exomes below 0.00001.

Submission:

Labcorp Genetics (formerly Invitae), Labcorp
Classification: Uncertain significance for Glutaric aciduria, type 1. Last evaluated: 2023-07-31. Review status: criteria provided, single submitter. Criteria: Invitae Variant Classification Sherloc (09022015). Collection method: clinical testing. Allele origin: germline.
Comment: Advanced modeling of protein sequence and biophysical properties (such as structural, functional, and spatial information, amino acid conservation, physicochemical variation, residue mobility, and thermodynamic stability) performed at Invitae indicates that this missense variant is not expected to disrupt GCDH protein function. In summary, the available evidence is currently insufficient to determine the role of this variant in disease. Therefore, it has been classified as a Variant of Uncertain Significance. This variant has not been reported in the literature in individuals affected with GCDH-related conditions. This sequence change replaces isoleucine, which is neutral and non-polar, with valine, which is neutral and non-polar, at codon 381 of the GCDH protein (p.Ile381Val). This variant is not present in population databases (gnomAD no frequency).